The following is an entry in ClinVar:

ClinVar aggregate classification (germline): Uncertain significance. Review status: criteria provided, multiple submitters, no conflicts (2 of 4 stars). 2 submissions from 2 submitters: Uncertain significance (2). Last evaluated 2024-04-15.

Conditions:
Inborn genetic diseases. Identifiers: MedGen C0950123, MeSH D030342.

Allele frequency attached by ClinVar (database versions not stated): gnomAD 0.00002; TOPMed 0.00002.
gnomAD v4.1: 3 of 1,613,860 alleles (0.00019%); highest among the groups gnomAD compares: African/African-American, 0.004%; no homozygotes.

Submissions (2):

Labcorp Genetics (formerly Invitae), Labcorp
Classification: Uncertain significance. Last evaluated: 2024-04-15. Review status: criteria provided, single submitter. Criteria: Invitae Variant Classification Sherloc (09022015). Collection method: clinical testing. Allele origin: germline.
Comment: This sequence change replaces asparagine, which is neutral and polar, with serine, which is neutral and polar, at codon 152 of the TMEM199 protein (p.Asn152Ser). This variant is present in population databases (no rsID available, gnomAD 0.01%). This variant has not been reported in the literature in individuals affected with TMEM199-related conditions. ClinVar contains an entry for this variant (Variation ID: 1931204). An algorithm developed to predict the effect of missense changes on protein structure and function (PolyPhen-2) suggests that this variant is likely to be disruptive. In summary, the available evidence is currently insufficient to determine the role of this variant in disease. Therefore, it has been classified as a Variant of Uncertain Significance.

Ambry Genetics
Classification: Uncertain significance for Inborn genetic diseases. Last evaluated: 2022-06-24. Review status: criteria provided, single submitter. Criteria: Ambry Variant Classification Scheme 2023. Collection method: clinical testing. Allele origin: germline.

NM_152464.3(VMA12):c.455A>G (p.Asn152Ser)

Gene: VMA12 (vacuolar ATPase assembly factor VMA12; plus strand). Cytogenetic location: 17q11.2.
Variant type: single nucleotide variant.
Coding change: c.455A>G on transcript NM_152464.3 (MANE Select); coding-DNA position 455, A replaced by G.
Protein change: p.Asn152Ser; replaces asparagine 152 with serine.
Molecular consequence: missense variant.
Genome position (GRCh38, 1-based): chr17:28,360,771, A>G. VCF-style: chr17-28360771-A-G. GRCh37 (hg19) VCF-style: chr17-26687794-A-G.
Other names: short protein forms N152S.
Identifiers: ClinVar variation 1931204 (VCV001931204.5), dbSNP rs1386945215, ClinGen allele CA398316190.
Genomic context (GRCh38, chr17:28,360,771, plus strand): 5'-GCCCTCTCTGGCTCCTCCCCAAAGTGAGATCATTGAAGGCTCTGGTCATCACCATCTTCA[A>G]TTTCATTGTCACGGTGGTTGCTGCCTTCGTCTGCACTTACCTTGGAAGCCAATATATCTT-3'
Protein context (NP_689677.1, residues 142-162): SLKALVITIF[Asn152Ser]FIVTVVAAFV